The following is an entry in ClinVar:

NM_000222.3(KIT):c.951C>T (p.Pro317=)

Gene: KIT (KIT proto-oncogene, receptor tyrosine kinase; plus strand). Cytogenetic location: 4q12.
Variant type: single nucleotide variant.
Coding change: c.951C>T on transcript NM_000222.3 (MANE Select); coding-DNA position 951, C replaced by T.
Protein change: p.Pro317=; no amino-acid change (proline 317 retained).
Molecular consequence: synonymous variant.
Genome position (GRCh38, 1-based): chr4:54,707,123, C>T. VCF-style: chr4-54707123-C-T. GRCh37 (hg19) VCF-style: chr4-55573289-C-T.
Other names: c.951C>T, p.Pro317= (NM_001093772.2, NM_001385285.1, NM_001385286.1); c.954C>T, p.Pro318= (NM_001385284.1, NM_001385288.1, NM_001385290.1 and 1 more transcripts).
Identifiers: ClinVar variation 760448 (VCV000760448.13), dbSNP rs770676368, ClinGen allele CA2923349.

ClinVar aggregate classification (germline): Conflicting classifications of pathogenicity. Review status: criteria provided, conflicting classifications (1 of 4 stars). 3 submissions from 3 submitters: Uncertain significance (1); Likely benign (2). Last evaluated 2023-06-01.

Conditions:
Hereditary cancer-predisposing syndrome. Also called: Neoplastic Syndromes, Hereditary; Hereditary Cancer Syndrome; Hereditary neoplastic syndrome; Tumor predisposition. Identifiers: Orphanet 140162, MedGen C0027672, MeSH D009386, MONDO:0015356.
Gastrointestinal stromal tumor. Also called: Gastrointestinal stromal tumor, somatic; Gastrointestinal stroma tumor. Identifiers: Orphanet 44890, MedGen C0238198, MeSH D046152, MONDO:0011719, OMIM 606764, HP:0100723.

Allele frequency attached by ClinVar (database versions not stated): gnomAD exomes below 0.00001 and 0.00001; TOPMed below 0.00001; ExAC 0.00001; gnomAD 0.00001.
gnomAD v4.1: 2 of 1,556,246 alleles (0.00013%); highest among the groups gnomAD compares: Non-Finnish European, 0.00018%; no homozygotes.

Submissions (3):

GeneDx
Classification: Uncertain significance. Last evaluated: 2023-06-01. Review status: criteria provided, single submitter. Criteria: GeneDx Variant Classification Process June 2021. Collection method: clinical testing. Allele origin: germline. Affected: yes.
Comment: Not observed at significant frequency in large population cohorts (gnomAD); Has not been previously published as pathogenic or benign to our knowledge; In silico analysis suggests this variant may impact gene splicing. In the absence of RNA/functional studies, the actual effect of this sequence change is unknown.

Labcorp Genetics (formerly Invitae), Labcorp
Classification: Likely benign for Gastrointestinal stromal tumor. Last evaluated: 2023-02-10. Review status: criteria provided, single submitter. Criteria: Invitae Variant Classification Sherloc (09022015). Collection method: clinical testing. Allele origin: germline.

Ambry Genetics
Classification: Likely benign for Hereditary cancer-predisposing syndrome. Last evaluated: 2021-04-23. Review status: criteria provided, single submitter. Criteria: Ambry Variant Classification Scheme 2023. Collection method: clinical testing. Allele origin: germline.